The following is an entry in ClinVar:

NM_004360.5(CDH1):c.446T>C (p.Leu149Pro)

Gene: CDH1 (cadherin 1; plus strand). Cytogenetic location: 16q22.1.
Variant type: single nucleotide variant.
Coding change: c.446T>C on transcript NM_004360.5 (MANE Select); coding-DNA position 446, T replaced by C.
Protein change: p.Leu149Pro; replaces leucine 149 with proline.
Molecular consequence: missense variant. On other transcripts: 5 prime UTR variant (2).
Genome position (GRCh38, 1-based): chr16:68,808,482, T>C. VCF-style: chr16-68808482-T-C. GRCh37 (hg19) VCF-style: chr16-68842385-T-C.
Other names: c.446T>C (LRG_301t1); c.446T>C, p.Leu149Pro (NM_001317184.2); c.-1170T>C (NM_001317185.2); c.-1374T>C (NM_001317186.2); short protein forms L149P.
Identifiers: ClinVar variation 186787 (VCV000186787.30), dbSNP rs780955025, ClinGen allele CA195868.
Genomic context (GRCh38, chr16:68,808,482, plus strand): 5'-AGGCCTCCGTTTCTGGAATCCAAGCAGAATTGCTCACATTTCCCAACTCCTCTCCTGGCC[T>C]CAGAAGACAGAAGAGAGACTGGGTTATTCCTCCCATCAGCTGCCCAGAAAATGAAAAAGG-3'
Protein context (NP_004351.1, residues 139-159): LLTFPNSSPG[Leu149Pro]RRQKRDWVIP

ClinVar aggregate classification (germline): Conflicting classifications of pathogenicity. Review status: criteria provided, conflicting classifications (1 of 4 stars). 7 submissions from 7 submitters: Uncertain significance (5); Likely benign (1). 1 of the submissions does not count toward it. Last evaluated 2026-04-16.

Conditions:
Hereditary cancer-predisposing syndrome. Also called: Tumor predisposition; Hereditary Cancer Syndrome; Hereditary neoplastic syndrome; Neoplastic Syndromes, Hereditary. Identifiers: Orphanet 140162, MedGen C0027672, MeSH D009386, MONDO:0015356.
Hereditary diffuse gastric adenocarcinoma (HDGC). Also called: DIFFUSE GASTRIC AND LOBULAR BREAST CANCER SYNDROME. Identifiers: Orphanet 26106, MedGen C1708349, MONDO:0007648, OMIM 137215.

Allele frequency attached by ClinVar (database versions not stated): gnomAD exomes below 0.00001 and 0.00001; ExAC 0.00001.
gnomAD v4.1: 11 of 1,614,084 alleles (0.00068%); highest among the groups gnomAD compares: Non-Finnish European, 0.00085%; no homozygotes.

Submissions (7):

Ambry Genetics
Classification: Likely benign for Hereditary cancer-predisposing syndrome. Last evaluated: 2026-04-16. Review status: criteria provided, single submitter. Criteria: Ambry Variant Classification Scheme 2023. Collection method: clinical testing. Allele origin: germline.

Labcorp Genetics (formerly Invitae), Labcorp
Classification: Uncertain significance for Hereditary diffuse gastric adenocarcinoma. Last evaluated: 2025-08-11. Review status: criteria provided, single submitter. Criteria: Invitae Variant Classification Sherloc (09022015). Collection method: clinical testing. Allele origin: germline.
Comment: This sequence change replaces leucine, which is neutral and non-polar, with proline, which is neutral and non-polar, at codon 149 of the CDH1 protein (p.Leu149Pro). This variant is present in population databases (rs780955025, gnomAD 0.0009%). This variant has not been reported in the literature in individuals affected with CDH1-related conditions. ClinVar contains an entry for this variant (Variation ID: 186787). An algorithm developed to predict the effect of missense changes on protein structure and function outputs the following: PolyPhen-2: "Benign". The proline amino acid residue is found in multiple mammalian species, which suggests that this missense change does not adversely affect protein function. In summary, the available evidence is currently insufficient to determine the role of this variant in disease. Therefore, it has been classified as a Variant of Uncertain Significance.

Quest Diagnostics Nichols Institute San Juan Capistrano
Classification: Uncertain significance. Last evaluated: 2025-07-17. Review status: criteria provided, single submitter. Criteria: Quest Diagnostics criteria. Collection method: clinical testing. Allele origin: unknown.
Comment: The CDH1 c.446T>C (p.Leu149Pro) variant has been reported in the published literature in multiple individuals with breast cancer (PMID: 33471991 (2021) see also LOVD), as well as in reportedly unaffected individuals (PMIDs: 33471991 (2021) see also LOVD), 29641532 (2018)). The frequency of this variant in the general population (Genome Aggregation Database) is uninformative in the assessment of its pathogenicity. Analysis of this variant using bioinformatics tools for the prediction of the effect of amino acid changes on protein structure and function yielded predictions that this variant is benign. Based on the available information, we are unable to determine the clinical significance of this variant.

Myriad Genetics, Inc.
Classification: Uncertain significance for Hereditary diffuse gastric adenocarcinoma. Last evaluated: 2023-03-03. Review status: criteria provided, single submitter. Criteria: Myriad Autosomal Dominant, Autosomal Recessive and X-Linked Classification Criteria (2023). Collection method: clinical testing. Allele origin: unknown.
Comment: This variant is classified as a variant of uncertain significance as there is insufficient evidence to determine its impact on protein function and/or cancer risk.

GeneDx
Classification: Uncertain significance. Last evaluated: 2021-11-29. Review status: criteria provided, single submitter. Criteria: GeneDx Variant Classification Process June 2021. Collection method: clinical testing. Allele origin: germline. Affected: yes.
Comment: Not observed at a significant frequency in large population cohorts (Lek 2016); In silico analysis supports that this missense variant has a deleterious effect on protein structure/function; Has not been previously published as pathogenic or benign to our knowledge

Color Diagnostics, LLC DBA Color Health
Classification: Uncertain significance for Hereditary cancer-predisposing syndrome. Last evaluated: 2021-09-07. Review status: criteria provided, single submitter. Criteria: ACMG Guidelines, 2015. Collection method: clinical testing. Allele origin: germline.
Comment: This missense variant replaces leucine with proline at codon 149 of the CDH1 protein. To our knowledge, functional studies have not been reported for this variant. This variant has not been reported in individuals affected with hereditary cancer in the literature. This variant has been identified in 1/251404 chromosomes in the general population by the Genome Aggregation Database (gnomAD). The available evidence is insufficient to determine the role of this variant in disease conclusively. Therefore, this variant is classified as a Variant of Uncertain Significance.

Counsyl
Classification: Uncertain significance for Hereditary diffuse gastric adenocarcinoma. Last evaluated: 2016-06-20. Review status: no assertion criteria provided. Collection method: clinical testing. Allele origin: unknown. Not counted in ClinVar's aggregate classification.

Literature cited by the submitters: PubMed 29641532 (cited by Ambry Genetics and Quest Diagnostics Nichols Institute San Juan Capistrano); PubMed 38153744 (cited by Quest Diagnostics Nichols Institute San Juan Capistrano); PubMed 33471991 (cited by Quest Diagnostics Nichols Institute San Juan Capistrano).